The following is an entry in ClinVar:

ClinVar aggregate classification (germline): Conflicting classifications of pathogenicity. Review status: criteria provided, conflicting classifications (1 of 4 stars). 2 submissions from 2 submitters: Uncertain significance (1); Benign (1). Last evaluated 2025-07-03.

Conditions:
Cardiovascular phenotype. Identifiers: MedGen CN230736.
Long QT syndrome (LQTS). Identifiers: MedGen C0023976, MeSH D008133, MONDO:0002442. Disease mechanism: loss of function. Inheritance: Various modes of inheritance.

Allele frequency attached by ClinVar (database versions not stated): gnomAD 0.00001; gnomAD exomes 0.00001; TOPMed 0.00001; ExAC 0.00010.
gnomAD v4.1: 13 of 1,591,016 alleles (0.00082%); highest among the groups gnomAD compares: East Asian, 0.027%; no homozygotes.

Submissions (2):

Ambry Genetics
Classification: Benign for Cardiovascular phenotype. Last evaluated: 2025-07-03. Review status: criteria provided, single submitter. Criteria: Ambry Variant Classification Scheme 2023. Collection method: clinical testing. Allele origin: germline.

Labcorp Genetics (formerly Invitae), Labcorp
Classification: Uncertain significance for Long QT syndrome. Last evaluated: 2024-05-17. Review status: criteria provided, single submitter. Criteria: Invitae Variant Classification Sherloc (09022015). Collection method: clinical testing. Allele origin: germline.
Comment: This sequence change replaces asparagine, which is neutral and polar, with serine, which is neutral and polar, at codon 1261 of the AKAP9 protein (p.Asn1261Ser). This variant is present in population databases (rs755453815, gnomAD 0.08%), and has an allele count higher than expected for a pathogenic variant. This variant has not been reported in the literature in individuals affected with AKAP9-related conditions. ClinVar contains an entry for this variant (Variation ID: 1734855). Algorithms developed to predict the effect of missense changes on protein structure and function output the following: SIFT: "Not Available"; PolyPhen-2: "Benign"; Align-GVGD: "Not Available". The serine amino acid residue is found in multiple mammalian species, which suggests that this missense change does not adversely affect protein function. In summary, the available evidence is currently insufficient to determine the role of this variant in disease. Therefore, it has been classified as a Variant of Uncertain Significance.

NM_005751.5(AKAP9):c.3782A>G (p.Asn1261Ser)

Gene: AKAP9 (A-kinase anchoring protein 9; plus strand). Cytogenetic location: 7q21.2.
Variant type: single nucleotide variant.
Coding change: c.3782A>G on transcript NM_005751.5 (MANE Select); coding-DNA position 3782, A replaced by G.
Protein change: p.Asn1261Ser; replaces asparagine 1261 with serine.
Molecular consequence: missense variant.
Genome position (GRCh38, 1-based): chr7:92,017,047, A>G. VCF-style: chr7-92017047-A-G. GRCh37 (hg19) VCF-style: chr7-91646361-A-G.
Other names: c.3782A>G, p.Asn1261Ser (NM_147185.3); short protein forms N1261S.
Identifiers: ClinVar variation 1734855 (VCV001734855.5), dbSNP rs755453815, ClinGen allele CA4336397.
Genomic context (GRCh38, chr7:92,017,047, plus strand): 5'-AATTATTGTAATTGTTTGTTTACCATCCAGACTTTCAAGAAAATATGCACACTCTTCTCA[A>G]CAAAGTAACAGAAGAATACAACAAACTCTTGGTACTTCAAACACGACTAAGCAAGGTCTG-3'
Protein context (NP_005742.4, residues 1251-1271): DFQENMHTLL[Asn1261Ser]KVTEEYNKLL